The following is an entry in ClinVar:

NM_006231.4(POLE):c.6473G>C (p.Cys2158Ser)

Gene: POLE (DNA polymerase epsilon, catalytic subunit; minus strand). Cytogenetic location: 12q24.33.
Variant type: single nucleotide variant.
Coding change: c.6473G>C on transcript NM_006231.4 (MANE Select); coding-DNA position 6473, G replaced by C.
Protein change: p.Cys2158Ser; replaces cysteine 2158 with serine.
Molecular consequence: missense variant.
Genome position (GRCh38, 1-based): chr12:132,626,175, C>G on the plus strand (G>C on the coding strand, the complement: POLE is on the minus strand). VCF-style: chr12-132626175-C-G. GRCh37 (hg19) VCF-style: chr12-133202761-C-G.
Other names: short protein forms C2158S.
Identifiers: ClinVar variation 2562919 (VCV002562919.2), dbSNP rs2138430931, ClinGen allele CA387367390.

ClinVar aggregate classification (germline): Uncertain significance (1 of 4 stars; one submission).

Conditions:
Hereditary cancer-predisposing syndrome. Also called: Neoplastic Syndromes, Hereditary; Hereditary Cancer Syndrome; Hereditary neoplastic syndrome; Tumor predisposition. Identifiers: Orphanet 140162, MedGen C0027672, MeSH D009386, MONDO:0015356.

Allele frequency attached by ClinVar (database versions not stated): gnomAD exomes below 0.00001.
gnomAD v4.1: 1 of 1,612,834 alleles (0.000062%); highest among the groups gnomAD compares: Non-Finnish European, 0.000085%; no homozygotes.

Submission:

Ambry Genetics
Classification: Uncertain significance for Hereditary cancer-predisposing syndrome. Last evaluated: 2023-04-07. Review status: criteria provided, single submitter. Criteria: Ambry Variant Classification Scheme 2023. Collection method: clinical testing. Allele origin: germline.
Comment: The p.C2158S variant (also known as c.6473G>C), located in coding exon 46 of the POLE gene, results from a G to C substitution at nucleotide position 6473. The cysteine at codon 2158 is replaced by serine, an amino acid with dissimilar properties. This amino acid position is conserved. In addition, this alteration is predicted to be deleterious by in silico analysis. Since supporting evidence is limited at this time, the clinical significance of this alteration remains unclear.